The following is an entry in ClinVar:

NM_003124.5(SPR):c.311T>C (p.Leu104Pro)

Gene: SPR (sepiapterin reductase; plus strand). Cytogenetic location: 2p13.2.
Variant type: single nucleotide variant.
Coding change: c.311T>C on transcript NM_003124.5 (MANE Select); coding-DNA position 311, T replaced by C.
Protein change: p.Leu104Pro; replaces leucine 104 with proline.
Molecular consequence: missense variant.
Genome position (GRCh38, 1-based): chr2:72,888,320, T>C. VCF-style: chr2-72888320-T-C. GRCh37 (hg19) VCF-style: chr2-73115449-T-C.
Other names: short protein forms L104P.
Identifiers: ClinVar variation 856279 (VCV000856279.7), dbSNP rs1347753615, ClinGen allele CA347231345.

ClinVar aggregate classification (germline): Uncertain significance (1 of 4 stars; one submission).

Conditions:
Dystonic disorder. Also called: Dystonia. Identifiers: MedGen C0013421, MONDO:0003441, HP:0001332.

Allele frequency attached by ClinVar (database versions not stated): gnomAD exomes below 0.00001 and 0.00001; TOPMed below 0.00001; gnomAD 0.00001.

Submission:

Labcorp Genetics (formerly Invitae), Labcorp
Classification: Uncertain significance for Dystonic disorder. Last evaluated: 2022-09-13. Review status: criteria provided, single submitter. Criteria: Invitae Variant Classification Sherloc (09022015). Collection method: clinical testing. Allele origin: germline.
Comment: This sequence change replaces leucine, which is neutral and non-polar, with proline, which is neutral and non-polar, at codon 104 of the SPR protein (p.Leu104Pro). In summary, the available evidence is currently insufficient to determine the role of this variant in disease. Therefore, it has been classified as a Variant of Uncertain Significance. Advanced modeling of protein sequence and biophysical properties (such as structural, functional, and spatial information, amino acid conservation, physicochemical variation, residue mobility, and thermodynamic stability) performed at Invitae indicates that this missense variant is expected to disrupt SPR protein function. ClinVar contains an entry for this variant (Variation ID: 856279). This variant has not been reported in the literature in individuals affected with SPR-related conditions. This variant is present in population databases (no rsID available, gnomAD 0.003%).